The following is an entry in ClinVar:

NM_000083.3(CLCN1):c.2111G>A (p.Arg704Gln)

Genes: CLCN1 (chloride voltage-gated channel 1; plus strand), LOC123956257 (Sharpr-MPRA regulatory region 4117; plus strand). Cytogenetic location: 7q34.
Variant type: single nucleotide variant.
Coding change: c.2111G>A on transcript NM_000083.3 (MANE Select); coding-DNA position 2111, G replaced by A.
Protein change: p.Arg704Gln; replaces arginine 704 with glutamine.
Molecular consequence: missense variant. On other transcripts: non-coding transcript variant (1).
Genome position (GRCh38, 1-based): chr7:143,345,701, G>A. VCF-style: chr7-143345701-G-A. GRCh37 (hg19) VCF-style: chr7-143042794-G-A.
Other names: short protein forms R704Q.
Identifiers: ClinVar variation 860103 (VCV000860103.9), dbSNP rs984151770, ClinGen allele CA369650465.

ClinVar aggregate classification (germline): Uncertain significance (1 of 4 stars; one submission).

Conditions:
Congenital myotonia, autosomal dominant form (THD). Also called: THOMSEN DISEASE; Myotonia congenita autosomal dominant. Identifiers: Orphanet 614, MedGen C2936781, MONDO:0008055, OMIM 160800.
Congenital myotonia, autosomal recessive form. Also called: Becker Generalized Myotonia; myotonia congenita, autosomal recessive; BECKER DISEASE. Identifiers: Orphanet 614, MedGen C0751360, MONDO:0009715, OMIM 255700.

Submission:

Labcorp Genetics (formerly Invitae), Labcorp
Classification: Uncertain significance for Congenital myotonia, autosomal recessive form; Congenital myotonia, autosomal dominant form. Last evaluated: 2019-02-08. Review status: criteria provided, single submitter. Criteria: Invitae Variant Classification Sherloc (09022015). Collection method: clinical testing. Allele origin: germline.
Comment: In summary, the available evidence is currently insufficient to determine the role of this variant in disease. Therefore, it has been classified as a Variant of Uncertain Significance. Algorithms developed to predict the effect of missense changes on protein structure and function are either unavailable or do not agree on the potential impact of this missense change (SIFT: "Deleterious"; PolyPhen-2: "Benign"; Align-GVGD: "Class C0"). This variant has not been reported in the literature in individuals with CLCN1-related conditions. The frequency data for this variant in the population databases is considered unreliable, as metrics indicate insufficient coverage at this position in the ExAC database. This sequence change replaces arginine with glutamine at codon 704 of the CLCN1 protein (p.Arg704Gln). The arginine residue is moderately conserved and there is a small physicochemical difference between arginine and glutamine.